The following is an entry in ClinVar:

ClinVar aggregate classification (germline): Uncertain significance (1 of 4 stars; one submission).

Conditions:
Actin accumulation myopathy (CMYO2A). Also called: CONGENITAL MYOPATHY 2A, TYPICAL, AUTOSOMAL DOMINANT; Nemaline myopathy type 3; Myopathy, actin, congenital, with excess of thin myofilaments; Myopathy, actin, congenital, with cores; Nemaline myopathy 3, with intranuclear rods. Identifiers: Orphanet 98904, MedGen C3711389, MONDO:0008070, OMIM 161800.

Submission:

Labcorp Genetics (formerly Invitae), Labcorp
Classification: Uncertain significance for Actin accumulation myopathy. Last evaluated: 2019-10-12. Review status: criteria provided, single submitter. Criteria: Invitae Variant Classification Sherloc (09022015). Collection method: clinical testing. Allele origin: germline.
Comment: In summary, the available evidence is currently insufficient to determine the role of this variant in disease. Therefore, it has been classified as a Variant of Uncertain Significance. Algorithms developed to predict the effect of missense changes on protein structure and function are either unavailable or do not agree on the potential impact of this missense change (SIFT: "Deleterious"; PolyPhen-2: "Probably Damaging"; Align-GVGD: "Class C0"). This variant has not been reported in the literature in individuals with ACTA1-related conditions. This variant is not present in population databases (ExAC no frequency). This sequence change replaces proline with arginine at codon 40 of the ACTA1 protein (p.Pro40Arg). The proline residue is highly conserved and there is a moderate physicochemical difference between proline and arginine.

NM_001100.4(ACTA1):c.119C>G (p.Pro40Arg)

Gene: ACTA1 (actin alpha 1, skeletal muscle; minus strand). Cytogenetic location: 1q42.13.
Variant type: single nucleotide variant.
Coding change: c.119C>G on transcript NM_001100.4 (MANE Select); coding-DNA position 119, C replaced by G.
Protein change: p.Pro40Arg; replaces proline 40 with arginine.
Molecular consequence: missense variant.
Genome position (GRCh38, 1-based): chr1:229,432,997, G>C on the plus strand (C>G on the coding strand, the complement: ACTA1 is on the minus strand). VCF-style: chr1-229432997-G-C. GRCh37 (hg19) VCF-style: chr1-229568744-G-C.
Other names: short protein forms P40R.
Identifiers: ClinVar variation 954259 (VCV000954259.10), dbSNP rs1659984455, ClinGen allele CA345151255.